The following is an entry in ClinVar:

NM_006254.4(PRKCD):c.1844G>T (p.Arg615Met)

Gene: PRKCD (protein kinase C delta; plus strand). Cytogenetic location: 3p21.1.
Variant type: single nucleotide variant.
Coding change: c.1844G>T on transcript NM_006254.4 (MANE Select); coding-DNA position 1844, G replaced by T.
Protein change: p.Arg615Met; replaces arginine 615 with methionine.
Molecular consequence: missense variant.
Genome position (GRCh38, 1-based): chr3:53,189,973, G>T. VCF-style: chr3-53189973-G-T. GRCh37 (hg19) VCF-style: chr3-53223989-G-T.
Other names: c.1844G>T, p.Arg615Met (NM_001316327.2, NM_001354679.2, NM_001354680.2 and 1 more transcripts); c.1901G>T, p.Arg634Met (NM_001354676.2); c.1892G>T, p.Arg631Met (NM_001354678.2); short protein forms R615M, R631M, R634M.
Identifiers: ClinVar variation 871253 (VCV000871253.44), dbSNP rs74838104, ClinGen allele CA2452301.

ClinVar aggregate classification (germline): Uncertain significance. Review status: criteria provided, multiple submitters, no conflicts (2 of 4 stars). 3 submissions from 3 submitters: Uncertain significance (3). Last evaluated 2024-12-02.

Conditions:
Autoimmune lymphoproliferative syndrome, type III caused by mutation in PRKCD. Identifiers: Orphanet 3261, Orphanet 664711, MedGen C3809928, MONDO:8000024, OMIM 615559.
Inborn genetic diseases. Identifiers: MedGen C0950123, MeSH D030342.

Allele frequency attached by ClinVar (database versions not stated): gnomAD 0.00001; TOPMed 0.00003; ExAC 0.00004; gnomAD exomes 0.00006.
gnomAD v4.1: 17 of 1,614,056 alleles (0.0011%); highest among the groups gnomAD compares: Admixed American, 0.028%; no homozygotes.

Submissions (3):

Labcorp Genetics (formerly Invitae), Labcorp
Classification: Uncertain significance for Autoimmune lymphoproliferative syndrome, type III caused by mutation in PRKCD. Last evaluated: 2024-12-02. Review status: criteria provided, single submitter. Criteria: Invitae Variant Classification Sherloc (09022015). Collection method: clinical testing. Allele origin: germline.
Comment: This sequence change replaces arginine, which is basic and polar, with methionine, which is neutral and non-polar, at codon 615 of the PRKCD protein (p.Arg615Met). This variant is present in population databases (rs74838104, gnomAD 0.05%). This variant has not been reported in the literature in individuals affected with PRKCD-related conditions. ClinVar contains an entry for this variant (Variation ID: 871253). An algorithm developed to predict the effect of missense changes on protein structure and function (PolyPhen-2) suggests that this variant¬†is likely to be tolerated. In summary, the available evidence is currently insufficient to determine the role of this variant in disease. Therefore, it has been classified as a Variant of Uncertain Significance.

Ambry Genetics
Classification: Uncertain significance for Inborn genetic diseases. Last evaluated: 2021-12-08. Review status: criteria provided, single submitter. Criteria: Ambry Variant Classification Scheme 2023. Collection method: clinical testing. Allele origin: germline.

CeGaT Center for Human Genetics Tuebingen
Classification: Uncertain significance. Last evaluated: 2020-01-01. Review status: criteria provided, single submitter. Criteria: CeGaT Center For Human Genetics Tuebingen Variant Classification Criteria Version 2. Collection method: clinical testing. Allele origin: germline. Affected: yes. Observed: 1 variant allele.